The following is an entry in ClinVar:

NM_001376.5(DYNC1H1):c.3742C>T (p.Arg1248Trp)

Gene: DYNC1H1 (dynein cytoplasmic 1 heavy chain 1; plus strand). Cytogenetic location: 14q32.31.
Variant type: single nucleotide variant.
Coding change: c.3742C>T on transcript NM_001376.5 (MANE Select); coding-DNA position 3742, C replaced by T.
Protein change: p.Arg1248Trp; replaces arginine 1248 with tryptophan.
Molecular consequence: missense variant.
Genome position (GRCh38, 1-based): chr14:101,997,212, C>T. VCF-style: chr14-101997212-C-T. GRCh37 (hg19) VCF-style: chr14-102463549-C-T.
Other names: short protein forms R1248W.
Identifiers: ClinVar variation 935020 (VCV000935020.9), dbSNP rs1217320477, ClinGen allele CA391036608.

ClinVar aggregate classification (germline): Uncertain significance (1 of 4 stars; one submission).

Conditions:
Charcot-Marie-Tooth disease axonal type 2O. Also called: CHARCOT-MARIE-TOOTH NEUROPATHY, AXONAL, TYPE 2O; CHARCOT-MARIE-TOOTH DISEASE, AXONAL, AUTOSOMAL DOMINANT, TYPE 2O; Charcot-Marie-Tooth disease, axonal, type 20; Charcot-Marie-Tooth Neuropathy Type 2O. Identifiers: Orphanet 284232, MedGen C3280220, MONDO:0013644, OMIM 614228.

Allele frequency attached by ClinVar (database versions not stated): gnomAD exomes below 0.00001.
gnomAD v4.1: 2 of 1,613,986 alleles (0.00012%); highest among the groups gnomAD compares: Admixed American, 0.0017%; no homozygotes.

Submission:

Labcorp Genetics (formerly Invitae), Labcorp
Classification: Uncertain significance for Charcot-Marie-Tooth disease axonal type 2O. Last evaluated: 2019-06-18. Review status: criteria provided, single submitter. Criteria: Invitae Variant Classification Sherloc (09022015). Collection method: clinical testing. Allele origin: germline.
Comment: This variant has not been reported in the literature in individuals with DYNC1H1-related conditions. This variant is not present in population databases (ExAC no frequency). This sequence change replaces arginine with tryptophan at codon 1248 of the DYNC1H1 protein (p.Arg1248Trp). The arginine residue is moderately conserved and there is a moderate physicochemical difference between arginine and tryptophan. In summary, the available evidence is currently insufficient to determine the role of this variant in disease. Therefore, it has been classified as a Variant of Uncertain Significance. Algorithms developed to predict the effect of missense changes on protein structure and function are either unavailable or do not agree on the potential impact of this missense change (SIFT: "Deleterious"; PolyPhen-2: "Possibly Damaging"; Align-GVGD: "Class C15").